The following is an entry in ClinVar:

NM_000051.4(ATM):c.2279T>C (p.Ile760Thr)

Gene: ATM (ATM serine/threonine kinase; plus strand). Cytogenetic location: 11q22.3.
Variant type: single nucleotide variant.
Coding change: c.2279T>C on transcript NM_000051.4 (MANE Select); coding-DNA position 2279, T replaced by C.
Protein change: p.Ile760Thr; replaces isoleucine 760 with threonine.
Molecular consequence: missense variant.
Genome position (GRCh38, 1-based): chr11:108,257,509, T>C. VCF-style: chr11-108257509-T-C. GRCh37 (hg19) VCF-style: chr11-108128236-T-C.
Other names: c.2279T>C, p.Ile760Thr (NM_001351834.2); short protein forms I760T.
Identifiers: ClinVar variation 2770542 (VCV002770542.4), dbSNP rs2497384405, ClinGen allele CA382539664.

ClinVar aggregate classification (germline): Uncertain significance. Review status: criteria provided, multiple submitters, no conflicts (2 of 4 stars). 2 submissions from 2 submitters: Uncertain significance (2). Last evaluated 2023-12-14.

Conditions:
Ataxia-telangiectasia syndrome (AT). Also called: Ataxia-telangiectasia, complementation group D; LOUIS-BAR SYNDROME; ATAXIA-TELANGIECTASIA, COMPLEMENTATION GROUP A; ATAXIA-TELANGIECTASIA, FRESNO VARIANT; Ataxia telangiectasia (A-T); Cerebello-oculocutaneous telangiectasia. Identifiers: Orphanet 100, MedGen C0004135, MONDO:0008840, OMIM 208900.
Hereditary cancer-predisposing syndrome. Also called: Hereditary neoplastic syndrome; Hereditary Cancer Syndrome; Neoplastic Syndromes, Hereditary; Tumor predisposition. Identifiers: Orphanet 140162, MedGen C0027672, MeSH D009386, MONDO:0015356.

Submissions (2):

Ambry Genetics
Classification: Uncertain significance for Hereditary cancer-predisposing syndrome. Last evaluated: 2023-12-14. Review status: criteria provided, single submitter. Criteria: Ambry Variant Classification Scheme 2023. Collection method: clinical testing. Allele origin: germline.
Comment: The p.I760T variant (also known as c.2279T>C), located in coding exon 14 of the ATM gene, results from a T to C substitution at nucleotide position 2279. The isoleucine at codon 760 is replaced by threonine, an amino acid with similar properties. This amino acid position is conserved. In addition, the in silico prediction for this alteration is inconclusive. Since supporting evidence is limited at this time, the clinical significance of this alteration remains unclear.

Labcorp Genetics (formerly Invitae), Labcorp
Classification: Uncertain significance for Ataxia-telangiectasia syndrome. Last evaluated: 2023-10-22. Review status: criteria provided, single submitter. Criteria: Invitae Variant Classification Sherloc (09022015). Collection method: clinical testing. Allele origin: germline.
Comment: This sequence change replaces isoleucine, which is neutral and non-polar, with threonine, which is neutral and polar, at codon 760 of the ATM protein (p.Ile760Thr). This variant is not present in population databases (gnomAD no frequency). This variant has not been reported in the literature in individuals affected with ATM-related conditions. An algorithm developed to predict the effect of missense changes on protein structure and function (PolyPhen-2) suggests that this variant is likely to be tolerated. In summary, the available evidence is currently insufficient to determine the role of this variant in disease. Therefore, it has been classified as a Variant of Uncertain Significance.